The following continues an entry in ClinVar:

NM_022356.4(P3H1):c.1322A>G (p.Asp441Gly)

Gene: P3H1. ClinVar aggregate classification (germline): Conflicting classifications of pathogenicity. Uncertain significance (1); Benign (5); Likely benign (3).

Submissions 32 to 48 of 48:

Dr. Peter K. Rogan Lab, Western University
No classification provided (evidence only). Condition: Acute myeloid leukemia. Review status: no classification provided. Collection method: in vitro. Allele origin: not applicable. Functional consequence: retained intron. Not counted in ClinVar's aggregate classification.

Dr. Peter K. Rogan Lab, Western University
No classification provided (evidence only). Condition: Colon adenocarcinoma. Review status: no classification provided. Collection method: in vitro. Allele origin: not applicable. Functional consequence: retained intron. Not counted in ClinVar's aggregate classification.

Dr. Peter K. Rogan Lab, Western University
No classification provided (evidence only). Condition: Colorectal cancer. Review status: no classification provided. Collection method: in vitro. Allele origin: not applicable. Functional consequence: retained intron. Not counted in ClinVar's aggregate classification.

Dr. Peter K. Rogan Lab, Western University
No classification provided (evidence only). Condition: Colorectal cancer. Review status: no classification provided. Collection method: in vitro. Allele origin: not applicable. Functional consequence: retained intron. Not counted in ClinVar's aggregate classification.

Dr. Peter K. Rogan Lab, Western University
No classification provided (evidence only). Condition: Cervical cancer. Review status: no classification provided. Collection method: in vitro. Allele origin: not applicable. Functional consequence: retained intron. Not counted in ClinVar's aggregate classification.

Dr. Peter K. Rogan Lab, Western University
No classification provided (evidence only). Condition: Sarcoma. Review status: no classification provided. Collection method: in vitro. Allele origin: not applicable. Functional consequence: retained intron. Not counted in ClinVar's aggregate classification.

Dr. Peter K. Rogan Lab, Western University
No classification provided (evidence only). Condition: Sarcoma. Review status: no classification provided. Collection method: in vitro. Allele origin: not applicable. Functional consequence: retained intron. Not counted in ClinVar's aggregate classification.

Dr. Peter K. Rogan Lab, Western University
No classification provided (evidence only). Condition: Hepatocellular carcinoma. Review status: no classification provided. Collection method: in vitro. Allele origin: not applicable. Functional consequence: retained intron. Not counted in ClinVar's aggregate classification.

Dr. Peter K. Rogan Lab, Western University
No classification provided (evidence only). Condition: Hepatocellular carcinoma. Review status: no classification provided. Collection method: in vitro. Allele origin: not applicable. Functional consequence: retained intron. Not counted in ClinVar's aggregate classification.

Dr. Peter K. Rogan Lab, Western University
No classification provided (evidence only). Condition: Ovarian serous cystadenocarcinoma. Review status: no classification provided. Collection method: in vitro. Allele origin: not applicable. Functional consequence: retained intron. Not counted in ClinVar's aggregate classification.

Dr. Peter K. Rogan Lab, Western University
No classification provided (evidence only). Condition: Gastric cancer. Review status: no classification provided. Collection method: in vitro. Allele origin: not applicable. Functional consequence: retained intron. Not counted in ClinVar's aggregate classification.

Dr. Peter K. Rogan Lab, Western University
No classification provided (evidence only). Condition: Gastric cancer. Review status: no classification provided. Collection method: in vitro. Allele origin: not applicable. Functional consequence: retained intron. Not counted in ClinVar's aggregate classification.

Dr. Peter K. Rogan Lab, Western University
No classification provided (evidence only). Condition: Gastric cancer. Review status: no classification provided. Collection method: in vitro. Allele origin: not applicable. Functional consequence: retained intron. Not counted in ClinVar's aggregate classification.

Dr. Peter K. Rogan Lab, Western University
No classification provided (evidence only). Condition: Gastric cancer. Review status: no classification provided. Collection method: in vitro. Allele origin: not applicable. Functional consequence: retained intron. Not counted in ClinVar's aggregate classification.

Dr. Peter K. Rogan Lab, Western University
No classification provided (evidence only). Condition: Malignant tumor of esophagus. Review status: no classification provided. Collection method: in vitro. Allele origin: not applicable. Functional consequence: retained intron. Not counted in ClinVar's aggregate classification.

Genome Diagnostics Laboratory, Amsterdam University Medical Center
Classification: Likely benign. Review status: no assertion criteria provided. Collection method: clinical testing. Allele origin: germline. Affected: yes. Study: VKGL Data-share Consensus. Not counted in ClinVar's aggregate classification.

Laboratory of Diagnostic Genome Analysis, Leiden University Medical Center (LUMC)
Classification: Likely benign. Review status: no assertion criteria provided. Collection method: clinical testing. Allele origin: germline. Affected: yes. Study: VKGL Data-share Consensus. Not counted in ClinVar's aggregate classification.